The following is an entry in ClinVar:

ClinVar aggregate classification (germline): Uncertain significance. Review status: criteria provided, multiple submitters, no conflicts (2 of 4 stars). 2 submissions from 2 submitters: Uncertain significance (2). Last evaluated 2025-04-14.

Allele frequency attached by ClinVar (database versions not stated): ExAC 0.00001; gnomAD 0.00001; gnomAD exomes 0.00001; TOPMed 0.00001.
gnomAD v4.1: 16 of 1,613,778 alleles (0.00099%); highest among the groups gnomAD compares: Non-Finnish European, 0.0014%; no homozygotes.

Submissions (2):

Ambry Genetics
Classification: Uncertain significance. Last evaluated: 2025-04-14. Review status: criteria provided, single submitter. Criteria: Ambry Variant Classification Scheme 2023. Collection method: clinical testing. Allele origin: germline.

Labcorp Genetics (formerly Invitae), Labcorp
Classification: Uncertain significance. Last evaluated: 2022-05-03. Review status: criteria provided, single submitter. Criteria: Invitae Variant Classification Sherloc (09022015). Collection method: clinical testing. Allele origin: germline.
Comment: This variant is present in population databases (rs770726535, gnomAD 0.002%). This sequence change replaces serine, which is neutral and polar, with asparagine, which is neutral and polar, at codon 595 of the REL protein (p.Ser595Asn). This variant has not been reported in the literature in individuals affected with REL-related conditions. In summary, the available evidence is currently insufficient to determine the role of this variant in disease. Therefore, it has been classified as a Variant of Uncertain Significance. Algorithms developed to predict the effect of missense changes on protein structure and function output the following: SIFT: "Tolerated"; PolyPhen-2: "Possibly Damaging"; Align-GVGD: "Class C0". The asparagine amino acid residue is found in multiple mammalian species, which suggests that this missense change does not adversely affect protein function.

NM_001291746.2(REL):c.1688G>A (p.Ser563Asn)

Gene: REL (REL proto-oncogene, NF-kB subunit; plus strand). Cytogenetic location: 2p16.1.
Variant type: single nucleotide variant.
Coding change: c.1688G>A on transcript NM_001291746.2 (MANE Select); coding-DNA position 1688, G replaced by A.
Protein change: p.Ser563Asn; replaces serine 563 with asparagine.
Molecular consequence: missense variant.
Genome position (GRCh38, 1-based): chr2:60,922,459, G>A. VCF-style: chr2-60922459-G-A. GRCh37 (hg19) VCF-style: chr2-61149594-G-A.
Other names: c.1784G>A, p.Ser595Asn (NM_002908.4); c.1784G>A (NM_002908.2); short protein forms S595N, S563N.
Identifiers: ClinVar variation 2129286 (VCV002129286.5), dbSNP rs770726535, ClinGen allele CA1672524.